The following is an entry in ClinVar:

NM_001035.3(RYR2):c.9654C>T (p.Ile3218=)

Gene: RYR2 (ryanodine receptor 2; plus strand). Cytogenetic location: 1q43.
Variant type: single nucleotide variant.
Coding change: c.9654C>T on transcript NM_001035.3 (MANE Select); coding-DNA position 9654, C replaced by T.
Protein change: p.Ile3218=; no amino-acid change (isoleucine 3218 retained).
Molecular consequence: synonymous variant.
Genome position (GRCh38, 1-based): chr1:237,707,022, C>T. VCF-style: chr1-237707022-C-T. GRCh37 (hg19) VCF-style: chr1-237870322-C-T.
Other names: c.9654C>T (NM_001035.2).
Identifiers: ClinVar variation 919330 (VCV000919330.16), dbSNP rs1472161324, ClinGen allele CA424031667.

ClinVar aggregate classification (germline): Likely benign. Review status: criteria provided, multiple submitters, no conflicts (2 of 4 stars). 5 submissions from 5 submitters: Likely benign (5). Last evaluated 2025-09-02.

Conditions:
Catecholaminergic polymorphic ventricular tachycardia (CVPT). Also called: Catecholamine-induced polymorphic ventricular tachycardia. Identifiers: Orphanet 3286, MedGen C5574922, MONDO:0017990.
Cardiomyopathy (CMYO). Also called: Cardiomyopathies. Identifiers: Orphanet 167848, MedGen C0878544, MONDO:0004994, HP:0001638. Inheritance: Various modes of inheritance.
Cardiovascular phenotype. Identifiers: MedGen CN230736.
Catecholaminergic polymorphic ventricular tachycardia 1. Also called: RYR2-Related Catecholaminergic Polymorphic Ventricular Tachycardia; VENTRICULAR TACHYCARDIA, STRESS-INDUCED POLYMORPHIC 1; VENTRICULAR TACHYCARDIA, CATECHOLAMINERGIC POLYMORPHIC, 1, WITH OR WITHOUT ATRIAL DYSFUNCTION AND/OR DILATED CARDIOMYOPATHY. Identifiers: Orphanet 3286, MedGen C1631597, MONDO:0011484, OMIM 604772.

gnomAD v4.1: 4 of 1,613,736 alleles (0.00025%); highest among the groups gnomAD compares: Non-Finnish European, 0.00034%; no homozygotes.

Submissions (5):

Labcorp Genetics (formerly Invitae), Labcorp
Classification: Likely benign for Catecholaminergic polymorphic ventricular tachycardia 1. Last evaluated: 2025-09-02. Review status: criteria provided, single submitter. Criteria: Invitae Variant Classification Sherloc (09022015). Collection method: clinical testing. Allele origin: germline.

All of Us Research Program, National Institutes of Health
Classification: Likely benign for Catecholaminergic polymorphic ventricular tachycardia. Last evaluated: 2023-12-13. Review status: criteria provided, single submitter. Criteria: ACMG Guidelines, 2015. Collection method: clinical testing. Allele origin: germline. Inheritance: Autosomal dominant inheritance. Observed: 4 variant alleles, 4 heterozygotes.
Comment: This study involves interpretation of variants in research participants for the purpose of population health screening. Participant phenotype was not available at the time of variant classification. Additional details can be found in publication PMID: 35346344, PMCID: PMC8962531

Blueprint Genetics
Classification: Likely benign. Last evaluated: 2023-07-07. Review status: criteria provided, single submitter. Criteria: ACMG Guidelines, 2015. Collection method: clinical testing. Allele origin: germline.

Ambry Genetics
Classification: Likely benign for Cardiovascular phenotype. Last evaluated: 2022-10-09. Review status: criteria provided, single submitter. Criteria: Ambry Variant Classification Scheme 2023. Collection method: clinical testing. Allele origin: germline.

Color Diagnostics, LLC DBA Color Health
Classification: Likely benign for Cardiomyopathy. Last evaluated: 2019-01-25. Review status: criteria provided, single submitter. Criteria: ACMG Guidelines, 2015. Collection method: clinical testing. Allele origin: germline.